The following is an entry in ClinVar:

NM_138295.5(PKD1L1):c.2453+1G>A

Gene: PKD1L1 (polycystin 1 like 1, transient receptor potential channel interacting; minus strand). Cytogenetic location: 7p12.3.
Variant type: single nucleotide variant.
Coding change: c.2453+1G>A on transcript NM_138295.5 (MANE Select); the canonical splice donor site of the intron after coding-DNA position 2453, G replaced by A.
Molecular consequence: splice donor variant.
Genome position (GRCh38, 1-based): chr7:47,893,877, C>T on the plus strand (G>A on the coding strand, the complement: PKD1L1 is on the minus strand). VCF-style: chr7-47893877-C-T. GRCh37 (hg19) VCF-style: chr7-47933474-C-T.
Identifiers: ClinVar variation 2627390 (VCV002627390.1), dbSNP rs1786877657, ClinGen allele CA367487026.

ClinVar aggregate classification (germline): Likely pathogenic (1 of 4 stars; one submission).

Conditions:
Heterotaxy, visceral, 8, autosomal (HTX8). Identifiers: MedGen C4310668, MONDO:0014967, OMIM 617205.

Allele frequency attached by ClinVar (database versions not stated): gnomAD exomes below 0.00001.
gnomAD v4.1: 1 of 1,612,444 alleles (0.000062%); no homozygotes.

Submission:

Neuberg Centre For Genomic Medicine, NCGM
Classification: Likely pathogenic for Heterotaxy, visceral, 8, autosomal. Review status: criteria provided, single submitter. Criteria: ACMG Guidelines, 2015. Collection method: clinical testing. Allele origin: germline. Inheritance: Autosomal recessive inheritance. Affected: yes.
Comment: The splice donor variant c.2453+1G>A in PKD1L1 (NM_138295.5) has not been reported previously as a pathogenic variant nor as a benign variant, to our knowledge. The c.2453+1G>A variant is novel (not in any individuals) in gnomAD Exomes and is novel (not in any individuals) in 1000 Genomes. This variant mutates a splice-donor sequence, potentially resulting in the retention of large segments of intronic DNA by the mRNA and nonfunctional proteins. The c.2453+1G>A variant is a loss of function variant in the gene PKD1L1, which is intolerant of Loss of Function variants. For these reasons, this variant has been classified as Likely Pathogenic